The following is an entry in ClinVar:

ClinVar aggregate classification (germline): Conflicting classifications of pathogenicity. Review status: criteria provided, conflicting classifications (1 of 4 stars). 2 submissions from 2 submitters: Likely pathogenic (1); Uncertain significance (1). Last evaluated 2026-03-25.

Conditions:
Proximal symphalangism 1A. Also called: CUSHING SYMPHALANGISM; HEREDITARY ABSENCE OF THE PROXIMAL INTERPHALANGEAL JOINTS. Identifiers: Orphanet 3250, MedGen C3714899, MONDO:0020733, OMIM 185800.

Submissions (2):

GeneDx
Classification: Uncertain significance. Last evaluated: 2026-03-25. Review status: criteria provided, single submitter. Criteria: GeneDx Variant Classification Process June 2021. Collection method: clinical testing. Allele origin: germline.
Comment: Not observed at significant frequency in large population cohorts (gnomAD); In silico analysis supports that this missense variant has a deleterious effect on protein structure/function; This variant is associated with the following publications: (PMID: 35332702, 32259393, 38561263)

Equipe Genetique des Anomalies du Developpement, Université de Bourgogne
Classification: Likely pathogenic for Proximal symphalangism 1A. Review status: criteria provided, single submitter. Criteria: ACMG Guidelines, 2015. Collection method: clinical testing. Allele origin: paternal. Affected: yes.

NM_005450.6(NOG):c.554C>G (p.Ser185Cys)

Gene: NOG (noggin; plus strand). Cytogenetic location: 17q22.
Variant type: single nucleotide variant.
Coding change: c.554C>G on transcript NM_005450.6 (MANE Select); coding-DNA position 554, C replaced by G.
Protein change: p.Ser185Cys; replaces serine 185 with cysteine.
Molecular consequence: missense variant.
Genome position (GRCh38, 1-based): chr17:56,594,777, C>G. VCF-style: chr17-56594777-C-G. GRCh37 (hg19) VCF-style: chr17-54672138-C-G.
Other names: short protein forms S185C.
Identifiers: ClinVar variation 1172598 (VCV001172598.2), dbSNP rs2145567535, ClinGen allele CA399966588.
Genomic context (GRCh38, chr17:56,594,777, plus strand): 5'-GCAGCCGCTTTTGGCCGCGCTACGTGAAGGTGGGCAGCTGCTTCAGTAAGCGCTCGTGCT[C>G]CGTGCCCGAGGGCATGGTGTGCAAGCCGTCCAAGTCCGTGCACCTCACGGTGCTGCGGTG-3'
Protein context (NP_005441.1, residues 175-195): VGSCFSKRSC[Ser185Cys]VPEGMVCKPS